The following is an entry in ClinVar:

Conditions:
Breast-ovarian cancer, familial, susceptibility to, 1 (BROVCA1). Also called: BRCA1 Hereditary Breast and Ovarian Cancer; OVARIAN CANCER, SUSCEPTIBILITY TO. Identifiers: Orphanet 145, MedGen C2676676, MONDO:0011450, OMIM 604370. Disease mechanism: loss of function.

Submission:

Brotman Baty Institute, University of Washington
No classification provided (evidence only). Condition: Breast-ovarian cancer, familial 1. Review status: no classification provided. Collection method: in vitro. Allele origin: not applicable. Functional consequence: functionally_normal.
ClinVar note: "not provided" was previously submitted as the classification for the variant. However, the classification appeared to be based only on an observation of functional data so it was converted to no classification on 2025-07-30.

NM_007294.4(BRCA1):c.5074+9A>C

Gene: BRCA1 (BRCA1 DNA repair associated; minus strand). Cytogenetic location: 17q21.31.
Variant type: single nucleotide variant.
Coding change: c.5074+9A>C on transcript NM_007294.4 (MANE Select); 9 bases into the intron after coding-DNA position 5074, A replaced by C.
Molecular consequence: intron variant.
Genome position (GRCh38, 1-based): chr17:43,067,599, T>G on the plus strand (A>C on the coding strand, the complement: BRCA1 is on the minus strand). VCF-style: chr17-43067599-T-G. GRCh37 (hg19) VCF-style: chr17-41219616-T-G.
Other names: c.1642+9A>C (NM_001408428.1, NM_001408429.1, NM_001408426.1 and 4 more transcripts); c.4948+9A>C (NM_001407678.1, NM_001407673.1, NM_001407674.1 and 11 more transcripts); c.4951+9A>C (NM_001407666.1, NM_001407919.1, NM_001407937.1 and 6 more transcripts); c.1648+9A>C (NM_001408418.1, NM_001408420.1, NM_001408419.1); c.1762+9A>C (NM_001407981.1, NM_007298.4, NM_001407986.1 and 12 more transcripts); c.1765+9A>C (NM_001407978.1, NM_001407977.1, NM_001407976.1 and 3 more transcripts); c.5068+9A>C (NM_001407639.1, NM_001407630.1, NM_001407633.1 and 14 more transcripts); c.5071+9A>C (NM_001407859.1, NM_001407620.1, NM_001407623.1 and 17 more transcripts); and 71 more.
Identifiers: ClinVar variation 868994 (VCV000868994.3), dbSNP rs2052153659, ClinGen allele CA916080144.
Genomic context (GRCh38, chr17:43,067,599, plus strand): 5'-CCACCGTGCCTCGCCTCATGTGGTTTTATGCAGCAGATGCAAGGTATTCTGTAAAGGTTC[T>G]TGGTATACCTGTTTTCATAACAACATGAGTAGTCTCTTCAGTAATTAGATTAGTTAAAGT-3'